The following is an entry in ClinVar:

NM_058216.3(RAD51C):c.280G>A (p.Glu94Lys)

Gene: RAD51C (RAD51 paralog C; plus strand). Cytogenetic location: 17q22.
Variant type: single nucleotide variant.
Coding change: c.280G>A on transcript NM_058216.3 (MANE Select); coding-DNA position 280, G replaced by A.
Protein change: p.Glu94Lys; replaces glutamic acid 94 with lysine.
Molecular consequence: missense variant. On other transcripts: non-coding transcript variant (2).
Genome position (GRCh38, 1-based): chr17:58,695,065, G>A. VCF-style: chr17-58695065-G-A. GRCh37 (hg19) VCF-style: chr17-56772426-G-A.
Other names: c.280G>A, p.Glu94Lys (NM_002876.4); short protein forms E94K.
Identifiers: ClinVar variation 835607 (VCV000835607.17), dbSNP rs1277411638, ClinGen allele CA400340805.

ClinVar aggregate classification (germline): Uncertain significance. Review status: criteria provided, multiple submitters, no conflicts (2 of 4 stars). 4 submissions from 4 submitters: Uncertain significance (4). Last evaluated 2025-07-21.

Conditions:
Breast-ovarian cancer, familial, susceptibility to, 3. Also called: RAD51C-Related Breast/Ovarian Cancer. Identifiers: Orphanet 145, MedGen C3150659, MONDO:0013253, OMIM 613399.
Hereditary cancer-predisposing syndrome. Also called: Neoplastic Syndromes, Hereditary; Hereditary neoplastic syndrome; Tumor predisposition; Hereditary Cancer Syndrome. Identifiers: Orphanet 140162, MedGen C0027672, MeSH D009386, MONDO:0015356.
Fanconi anemia complementation group O. Also called: RAD51C-Related Fanconi Anemia. Identifiers: Orphanet 84, MedGen C3150653, MONDO:0013248, OMIM 613390.

Allele frequency attached by ClinVar (database versions not stated): gnomAD exomes below 0.00001.
gnomAD v4.1: 1 of 1,614,062 alleles (0.000062%); highest among the groups gnomAD compares: Non-Finnish European, 0.000085%; no homozygotes.

Submissions (4):

Labcorp Genetics (formerly Invitae), Labcorp
Classification: Uncertain significance for Fanconi anemia complementation group O. Last evaluated: 2025-07-21. Review status: criteria provided, single submitter. Criteria: Invitae Variant Classification Sherloc (09022015). Collection method: clinical testing. Allele origin: germline.
Comment: This sequence change replaces glutamic acid, which is acidic and polar, with lysine, which is basic and polar, at codon 94 of the RAD51C protein (p.Glu94Lys). This variant is present in population databases (no rsID available, gnomAD 0.0009%). This variant has not been reported in the literature in individuals affected with RAD51C-related conditions. ClinVar contains an entry for this variant (Variation ID: 835607). Invitae Evidence Modeling of protein sequence and biophysical properties (such as structural, functional, and spatial information, amino acid conservation, physicochemical variation, residue mobility, and thermodynamic stability) indicates that this missense variant is expected to disrupt RAD51C protein function with a positive predictive value of 80%. Experimental studies have shown that this missense change does not substantially affect RAD51C function (PMID: 37253112). In summary, the available evidence is currently insufficient to determine the role of this variant in disease. Therefore, it has been classified as a Variant of Uncertain Significance.

Ambry Genetics
Classification: Uncertain significance for Hereditary cancer-predisposing syndrome. Last evaluated: 2025-03-10. Review status: criteria provided, single submitter. Criteria: Ambry Variant Classification Scheme 2023. Collection method: clinical testing. Allele origin: germline.

Baylor Genetics
Classification: Uncertain significance for Breast-ovarian cancer, familial, susceptibility to, 3. Last evaluated: 2023-12-18. Review status: criteria provided, single submitter. Criteria: ACMG Guidelines, 2015. Collection method: clinical testing. Allele origin: unknown.

Color Diagnostics, LLC DBA Color Health
Classification: Uncertain significance for Hereditary cancer-predisposing syndrome. Last evaluated: 2019-11-20. Review status: criteria provided, single submitter. Criteria: ACMG Guidelines, 2015. Collection method: clinical testing. Allele origin: germline.
Comment: This missense variant replaces glutamic acid with lysine at codon 94 of the RAD51C protein. Computational prediction tool suggests that this variant may not impact protein structure and function (internally defined REVEL score threshold ≤0.5, PMID: 27666373). Splice site prediction tools suggest that this variant may not impact RNA splicing. To our knowledge, functional studies have not been performed for this variant. This variant has not been reported in individuals affected with hereditary cancer in the literature. This variant has been identified in 1/251472 chromosomes in the general population by the Genome Aggregation Database (gnomAD). The available evidence is insufficient to determine the role of this variant in disease conclusively. Therefore, this variant is classified as a Variant of Uncertain Significance.

Literature cited by the submitters: PubMed 37253112 (cited by Labcorp Genetics (formerly Invitae), Labcorp).